The following is an entry in ClinVar:

NM_024312.5(GNPTAB):c.2072_2073insG (p.Glu692fs)

Gene: GNPTAB (N-acetylglucosamine-1-phosphate transferase subunits alpha and beta; minus strand). Cytogenetic location: 12q23.2.
Variant type: Insertion.
Coding change: c.2072_2073insG on transcript NM_024312.5 (MANE Select); coding-DNA positions 2072 to 2073, G inserted.
Protein change: p.Glu692fs; shifts the reading frame from glutamic acid 692.
Molecular consequence: frameshift variant.
Genome position: GRCh38 VCF-style: chr12-101764844-T-TC. GRCh37 (hg19) VCF-style: chr12-102158622-T-TC.
Other names: short protein forms E692fs.
Identifiers: ClinVar variation 937544 (VCV000937544.8), dbSNP rs1043530261, ClinGen allele CA242456757.

ClinVar aggregate classification (germline): Pathogenic/Likely pathogenic. Review status: criteria provided, multiple submitters, no conflicts (2 of 4 stars). 2 submissions from 2 submitters: Pathogenic (1); Likely pathogenic (1). Last evaluated 2024-01-31.

Conditions:
Mucolipidosis type II. Also called: Mucolipidosis 2; ML 2; Inclusion cell disease; Leroy Disease; N-acetylglucosamine 1phosphotransferase deficiency; ML disorder type 2. Identifiers: Orphanet 576, MedGen C2673377, MONDO:0009650, OMIM 252500.
Pseudo-Hurler polydystrophy. Also called: ML IIIA; Mucolipidosis III Alpha/Beta; MUCOLIPIDOSIS IIIA; ML III; ML III ALPHA/BETA; Type III Mucolipidosis. Identifiers: Orphanet 423461, Orphanet 577, MedGen C0033788, MONDO:0018931, OMIM 252600.

Allele frequency attached by ClinVar (database versions not stated): TOPMed 0.00001; gnomAD exomes below 0.00001; gnomAD 0.00001.

Submissions (2):

Fulgent Genetics
Classification: Likely pathogenic for Mucolipidosis type II; Pseudo-Hurler polydystrophy. Last evaluated: 2024-01-31. Review status: criteria provided, single submitter. Criteria: ACMG Guidelines, 2015. Collection method: clinical testing. Allele origin: germline.

Labcorp Genetics (formerly Invitae), Labcorp
Classification: Pathogenic for Pseudo-Hurler polydystrophy; Mucolipidosis type II. Last evaluated: 2023-05-26. Review status: criteria provided, single submitter. Criteria: Invitae Variant Classification Sherloc (09022015). Collection method: clinical testing. Allele origin: germline.
Comment: This premature translational stop signal has been observed in individual(s) with clinical features of mucolipidosis (PMID: 26633542, 30882951). For these reasons, this variant has been classified as Pathogenic. ClinVar contains an entry for this variant (Variation ID: 937544). This variant is not present in population databases (gnomAD no frequency). This sequence change creates a premature translational stop signal (p.Glu692Argfs*56) in the GNPTAB gene. It is expected to result in an absent or disrupted protein product. Loss-of-function variants in GNPTAB are known to be pathogenic (PMID: 19617216, 25107912).

Literature cited by the submitters: PubMed 26633542 (cited by Labcorp Genetics (formerly Invitae), Labcorp); PubMed 30882951 (cited by Labcorp Genetics (formerly Invitae), Labcorp); PubMed 19617216 (cited by Labcorp Genetics (formerly Invitae), Labcorp); PubMed 25107912 (cited by Labcorp Genetics (formerly Invitae), Labcorp).